The following is an entry in ClinVar:

ClinVar aggregate classification (germline): Likely benign. Review status: criteria provided, multiple submitters, no conflicts (2 of 4 stars). 2 submissions from 2 submitters: Likely benign (2). Last evaluated 2026-04-09.

Conditions:
Epidermolysis bullosa simplex 5C, with pyloric atresia (EBS5C). Also called: PLEC-Related Epidermolysis Bullosa with Pyloric Atresia; Epidermolysis bullosa simplex with pyloric atresia; PLEC1-Related Epidermolysis Bullosa with Pyloric Atresia. Identifiers: Orphanet 158684, MedGen C2677349, MONDO:0012807, OMIM 612138.
Epidermolysis bullosa simplex with nail dystrophy (EBS5D). Identifiers: MedGen C4225309, MONDO:0014661, OMIM 616487.
Epidermolysis bullosa simplex 5B, with muscular dystrophy (EBS5B). Also called: EPIDERMOLYSIS BULLOSA SIMPLEX AND LIMB-GIRDLE MUSCULAR DYSTROPHY; Epidermolysis bullosa simplex with muscular dystrophy. Identifiers: Orphanet 257, MedGen C2931072, MONDO:0009181, OMIM 226670.
Epidermolysis bullosa simplex, Ogna type (EBS5A). Also called: Pidermolysis bullosa simplex 5A, Ogna type; EPIDERMOLYSIS BULLOSA SIMPLEX 5A, OGNA TYPE. Identifiers: Orphanet 79401, MedGen C0432317, MONDO:0007555, OMIM 131950.
Autosomal recessive limb-girdle muscular dystrophy type 2Q (LGMDR17). Also called: MUSCULAR DYSTROPHY, LIMB-GIRDLE, AUTOSOMAL RECESSIVE 17. Identifiers: Orphanet 254361, MedGen C3150989, MONDO:0013390, OMIM 613723.
PLEC-related disorder. Also called: PLEC-related condition; PLEC-related disorders.

gnomAD v4.1: 83 of 1,613,912 alleles (0.0051%); highest among the groups gnomAD compares: South Asian, 0.063%; no homozygotes.

Submissions (2):

PreventionGenetics, part of Exact Sciences
Classification: Likely benign for PLEC-related condition. Last evaluated: 2026-04-09. Review status: criteria provided, single submitter. Criteria: ACMG Guidelines, 2015. Collection method: clinical testing. Allele origin: germline.
Comment: This variant is classified as likely benign based on ACMG/AMP sequence variant interpretation guidelines (Richards et al. 2015 PMID: 25741868, with internal and published modifications).

Labcorp Genetics (formerly Invitae), Labcorp
Classification: Likely benign for Autosomal recessive limb-girdle muscular dystrophy type 2Q; Epidermolysis bullosa simplex, Ogna type; Epidermolysis bullosa simplex with nail dystrophy; Epidermolysis bullosa simplex 5C, with pyloric atresia; Epidermolysis bullosa simplex 5B, with muscular dystrophy. Last evaluated: 2024-09-29. Review status: criteria provided, single submitter. Criteria: Invitae Variant Classification Sherloc (09022015). Collection method: clinical testing. Allele origin: germline.

NM_201384.3(PLEC):c.12252G>A (p.Ser4084=)

Gene: PLEC (plectin; minus strand). Cytogenetic location: 8q24.3.
Variant type: single nucleotide variant.
Coding change: c.12252G>A on transcript NM_201384.3 (MANE Select); coding-DNA position 12252, G replaced by A.
Protein change: p.Ser4084=; no amino-acid change (serine 4084 retained).
Molecular consequence: synonymous variant.
Genome position (GRCh38, 1-based): chr8:143,917,569, C>T on the plus strand (G>A on the coding strand, the complement: PLEC is on the minus strand). VCF-style: chr8-143917569-C-T. GRCh37 (hg19) VCF-style: chr8-144991737-C-T.
Other names: c.12333G>A, p.Ser4111= (NM_000445.5); c.8952G>A, p.Ser2984= (NM_001410941.1); c.12210G>A, p.Ser4070= (NM_201378.4); c.12186G>A, p.Ser4062= (NM_201379.3); c.12663G>A, p.Ser4221= (NM_201380.4); c.12156G>A, p.Ser4052= (NM_201381.3); c.12252G>A, p.Ser4084= (NM_201382.4); c.12264G>A, p.Ser4088= (NM_201383.3); and 1 more.
Identifiers: ClinVar variation 3761781 (VCV003761781.3).
Genomic context (GRCh38, chr8:143,917,569, plus strand): 5'-CAGCTGCAGGTAGGTGAGGTTCTCCTCCGTGTTAGGGTCAAAGAAGCCCTTGGTGTCGTC[C>T]GAGGGGTCGGTCAGGATCTCGTTCATCTCCTCATCGAAGAGGCCGCGCTTGTAGGCCACC-3'
Protein context (NP_958786.1, residues 4074-4094): EEMNEILTDP[Ser4084=]DDTKGFFDPN